The following is an entry in ClinVar:

NM_000135.4(FANCA):c.2563dup (p.Thr855fs)

Gene: FANCA (FA complementation group A; minus strand). Cytogenetic location: 16q24.3.
Variant type: Duplication.
Coding change: c.2563dup on transcript NM_000135.4 (MANE Select); coding-DNA position 2563, one base duplicated (A; older notation c.2563dupA).
Protein change: p.Thr855fs; shifts the reading frame from threonine 855.
Molecular consequence: frameshift variant.
Genome position (GRCh38, 1-based): chr16:89,767,179, T duplicated on the plus strand (A on the coding strand, the reverse complement: FANCA is on the minus strand). VCF-style (leftmost placement, unchanged base first): chr16-89767178-G-GT. GRCh37 (hg19) VCF-style: chr16-89833586-G-GT.
Other names: c.2563dup, p.Thr855fs (NM_001286167.3); short protein forms T855fs.
Identifiers: ClinVar variation 2093536 (VCV002093536.4), dbSNP rs2544187101, ClinGen allele CA2580092407.

ClinVar aggregate classification (germline): Pathogenic (1 of 4 stars; one submission).

Conditions:
Fanconi anemia (FA). Also called: Fanconi's anemia. Identifiers: Orphanet 84, MedGen C0015625, MeSH D005199, MONDO:0019391.

Allele frequency attached by ClinVar (database versions not stated): gnomAD exomes below 0.00001.

Submission:

Labcorp Genetics (formerly Invitae), Labcorp
Classification: Pathogenic for Fanconi anemia. Last evaluated: 2022-02-05. Review status: criteria provided, single submitter. Criteria: Invitae Variant Classification Sherloc (09022015). Collection method: clinical testing. Allele origin: germline.
Comment: For these reasons, this variant has been classified as Pathogenic. This variant has not been reported in the literature in individuals affected with FANCA-related conditions. This variant is not present in population databases (gnomAD no frequency). This sequence change creates a premature translational stop signal (p.Thr855Asnfs*12) in the FANCA gene. It is expected to result in an absent or disrupted protein product. Loss-of-function variants in FANCA are known to be pathogenic (PMID: 19367192).

Literature cited by the submitters: PubMed 19367192.